The following is an entry in ClinVar:

NM_006031.6(PCNT):c.788A>T (p.Glu263Val)

Gene: PCNT (pericentrin; plus strand). Cytogenetic location: 21q22.3.
Variant type: single nucleotide variant.
Coding change: c.788A>T on transcript NM_006031.6 (MANE Select); coding-DNA position 788, A replaced by T.
Protein change: p.Glu263Val; replaces glutamic acid 263 with valine.
Molecular consequence: missense variant.
Genome position (GRCh38, 1-based): chr21:46,346,810, A>T. VCF-style: chr21-46346810-A-T. GRCh37 (hg19) VCF-style: chr21-47766724-A-T.
Other names: c.434A>T, p.Glu145Val (NM_001315529.2); short protein forms E263V, E145V.
Identifiers: ClinVar variation 4987501 (VCV004987501.1).
Genomic context (GRCh38, chr21:46,346,810, plus strand): 5'-ATGGCCTTGAGCTGGAGGCGCTGCGCCTGAGTCTGAGCAACATGCACACGGCGCAGCTGG[A>T]GCTGACACAGGCCAACCTCCAGAAGGAGAAGGAGACGGCATTGACGGAGCTGCGGGAGAT-3'
Protein context (NP_006022.3, residues 253-273): SLSNMHTAQL[Glu263Val]LTQANLQKEK

ClinVar aggregate classification (germline): Uncertain significance (1 of 4 stars; one submission).

Conditions:
PCNT-related disorder. Also called: PCNT-related condition.

gnomAD v4.1: 1 of 1,603,266 alleles (0.000062%); highest among the groups gnomAD compares: Non-Finnish European, 0.000085%; no homozygotes.

Submission:

PreventionGenetics, part of Exact Sciences
Classification: Uncertain significance for PCNT-related condition. Last evaluated: 2025-05-07. Review status: criteria provided, single submitter. Criteria: ACMG Guidelines, 2015. Collection method: clinical testing. Allele origin: germline.
Comment: The PCNT c.788A>T variant is predicted to result in the amino acid substitution p.Glu263Val. To our knowledge, this variant has not been reported in the literature or in a large population database (gnomAD), indicating this variant is rare. At this time, the clinical significance of this variant is uncertain due to the absence of conclusive functional and genetic evidence.